The following is an entry in ClinVar:

ClinVar aggregate classification (germline): Benign/Likely benign. Review status: criteria provided, multiple submitters, no conflicts (2 of 4 stars). 8 submissions from 5 submitters: Benign (6); Likely benign (2). Last evaluated 2025-12-16.

Conditions:
Malignant hyperthermia, susceptibility to, 5 (MHS5). Also called: CACNA1S-Related Malignant Hyperthermia Susceptibility. Identifiers: Orphanet 423, MedGen C1866077, MONDO:0011163, OMIM 601887.
Thyrotoxic periodic paralysis, susceptibility to, 1 (TTPP1). Identifiers: Orphanet 79102, MedGen C2749982, MONDO:0008570, OMIM 188580.
Congenital myopathy 18. Also called: Myopathy, congenital, due to dihydropyridine receptor defect; DIHYDROPYRIDINE RECEPTOR CONGENITAL MYOPATHY; DHPR CONGENITAL MYOPATHY. Identifiers: MedGen C5830283, MONDO:0859514, OMIM 620246.
Hypokalemic periodic paralysis, type 1. Also called: HypoPP; Hypokalemic Periodic Paralysis Type 1 (AD). Identifiers: Orphanet 681, MedGen C3714580, MONDO:0042979, OMIM 170400.

Allele frequency attached by ClinVar (database versions not stated): gnomAD below 0.00001 and 0.00027; TOPMed 0.00004; 1000 Genomes Project 30x 0.00141; gnomAD exomes 0.00159; 1000 Genomes Project 0.00180; ExAC 0.00225.
gnomAD v4.1: 1,198 of 1,560,244 alleles (0.077%); highest among the groups gnomAD compares: South Asian, 1.3%; 15 homozygotes.

Submissions (8):

Labcorp Genetics (formerly Invitae), Labcorp
Classification: Benign for Hypokalemic periodic paralysis, type 1; Malignant hyperthermia, susceptibility to, 5. Last evaluated: 2025-12-16. Review status: criteria provided, single submitter. Criteria: Invitae Variant Classification Sherloc (09022015). Collection method: clinical testing. Allele origin: germline.

Blueprint Genetics
Classification: Likely benign. Last evaluated: 2024-11-19. Review status: criteria provided, single submitter. Criteria: ACMG Guidelines, 2015. Collection method: clinical testing. Allele origin: germline.

Genome-Nilou Lab
Classification: Benign for Malignant hyperthermia, susceptibility to, 5. Last evaluated: 2023-04-11. Review status: criteria provided, single submitter. Criteria: ACMG Guidelines, 2015. Collection method: clinical testing. Allele origin: germline. Affected: no.

Genome-Nilou Lab
Classification: Benign for Thyrotoxic periodic paralysis, susceptibility to, 1. Last evaluated: 2023-04-11. Review status: criteria provided, single submitter. Criteria: ACMG Guidelines, 2015. Collection method: clinical testing. Allele origin: germline. Affected: no.

Genome-Nilou Lab
Classification: Benign for Congenital myopathy 18. Last evaluated: 2023-04-11. Review status: criteria provided, single submitter. Criteria: ACMG Guidelines, 2015. Collection method: clinical testing. Allele origin: germline. Affected: no.

Genome-Nilou Lab
Classification: Benign for Hypokalemic periodic paralysis, type 1. Last evaluated: 2023-04-11. Review status: criteria provided, single submitter. Criteria: ACMG Guidelines, 2015. Collection method: clinical testing. Allele origin: germline. Affected: no.

Fulgent Genetics
Classification: Likely benign for Hypokalemic periodic paralysis, type 1; Thyrotoxic periodic paralysis, susceptibility to, 1; Malignant hyperthermia, susceptibility to, 5. Last evaluated: 2021-12-15. Review status: criteria provided, single submitter. Criteria: ACMG Guidelines, 2015. Collection method: clinical testing. Allele origin: unknown.

GeneDx
Classification: Benign. Last evaluated: 2018-01-15. Review status: criteria provided, single submitter. Criteria: GeneDx Variant Classification (06012015). Collection method: clinical testing. Allele origin: germline. Affected: yes.
Comment: This variant is considered likely benign or benign based on one or more of the following criteria: it is a conservative change, it occurs at a poorly conserved position in the protein, it is predicted to be benign by multiple in silico algorithms, and/or has population frequency not consistent with disease.

NM_000069.3(CACNA1S):c.2746-16G>A

Gene: CACNA1S (calcium voltage-gated channel subunit alpha1 S; minus strand). Cytogenetic location: 1q32.1.
Variant type: single nucleotide variant.
Coding change: c.2746-16G>A on transcript NM_000069.3 (MANE Select); 16 bases into the intron before coding-DNA position 2746, G replaced by A.
Molecular consequence: intron variant.
Genome position (GRCh38, 1-based): chr1:201,065,961, C>T on the plus strand (G>A on the coding strand, the complement: CACNA1S is on the minus strand). VCF-style: chr1-201065961-C-T. GRCh37 (hg19) VCF-style: chr1-201035089-C-T.
Identifiers: ClinVar variation 506574 (VCV000506574.12), dbSNP rs531717137, ClinGen allele CA079252.